The following is an entry in ClinVar:

NM_001048174.2(MUTYH):c.262C>T (p.Arg88Trp)

Gene: MUTYH (mutY DNA glycosylase; minus strand). Cytogenetic location: 1p34.1.
Variant type: single nucleotide variant.
Coding change: c.262C>T on transcript NM_001048174.2 (MANE Select); coding-DNA position 262, C replaced by T.
Protein change: p.Arg88Trp; replaces arginine 88 with tryptophan.
Molecular consequence: missense variant. On other transcripts: 5 prime UTR variant (4), non-coding transcript variant (2).
Genome position (GRCh38, 1-based): chr1:45,333,415, G>A on the plus strand (C>T on the coding strand, the complement: MUTYH is on the minus strand). VCF-style: chr1-45333415-G-A. GRCh37 (hg19) VCF-style: chr1-45799087-G-A.
Other names: p.R116W:CGG>TGG; c.262C>T, p.Arg88Trp (NM_001048171.2, NM_001048173.2, NM_001293195.2); c.265C>T, p.Arg89Trp (NM_001048172.2); c.346C>T, p.Arg116Trp (NM_001128425.2); c.307C>T, p.Arg103Trp (NM_001293190.2); c.295C>T, p.Arg99Trp (NM_001293191.2); c.-15C>T (NM_001293192.2, NM_001293196.2); c.-10C>T (NM_001350650.2, NM_001350651.2); and 1 more; short protein forms R116W, R103W, R113W, R89W, R88W, R99W.
Identifiers: ClinVar variation 142812 (VCV000142812.36), dbSNP rs373766973, ClinGen allele CA013382.

ClinVar aggregate classification (germline): Conflicting classifications of pathogenicity. Review status: criteria provided, conflicting classifications (1 of 4 stars). 12 submissions from 11 submitters: Uncertain significance (10); Likely benign (1). 1 of the submissions does not count toward it. Last evaluated 2026-05-05.

Conditions:
MUTYH-related disorder. Also called: MUTYH-related condition; MUTYH-related disorders.
Hereditary cancer-predisposing syndrome. Also called: Tumor predisposition; Neoplastic Syndromes, Hereditary; Hereditary neoplastic syndrome; Hereditary Cancer Syndrome. Identifiers: Orphanet 140162, MedGen C0027672, MeSH D009386, MONDO:0015356.
Carcinoma of colon (CRC). Also called: Colonic carcinoma; Colon carcinoma. Identifiers: MedGen C0699790, MONDO:0002032.
Familial adenomatous polyposis 2. Also called: MYH-associated polyposis; COLORECTAL ADENOMATOUS POLYPOSIS, AUTOSOMAL RECESSIVE; ADENOMAS, MULTIPLE COLORECTAL, AUTOSOMAL RECESSIVE; FAP type 2; MUTYH-related attenuated familial adenomatous polyposis; MUTYH-associated polyposis. Identifiers: Orphanet 220460, Orphanet 247798, MedGen C3272841, MONDO:0012041, OMIM 608456.

Allele frequency attached by ClinVar (database versions not stated): TOPMed 0.00006; ExAC 0.00007; gnomAD 0.00007 and 0.00008; ESP Exome Variant Server 0.00008.

Submissions (13):

PreventionGenetics, part of Exact Sciences
Classification: Uncertain significance for MUTYH-related condition. Last evaluated: 2026-05-05. Review status: criteria provided, single submitter. Criteria: ACMG Guidelines, 2015. Collection method: clinical testing. Allele origin: germline.
Comment: The MUTYH c.346C>T variant is predicted to result in the amino acid substitution p.Arg116Trp. This variant was reported in two individuals with colorectal cancer (eTable 4, Pearlman et al. 2021. PubMed ID: 34250417). This variant is reported in 0.0098% of alleles in individuals of South Asian descent in gnomAD and has been interpreted as uncertain significance and likely benign in ClinVar (Variation ID: 142812). At this time, the clinical significance of this variant is uncertain due to the absence of conclusive functional and genetic evidence.

St. Jude Molecular Pathology, St. Jude Children's Research Hospital
Classification: Uncertain significance for Familial adenomatous polyposis 2. Last evaluated: 2026-02-11. Review status: criteria provided, single submitter. Criteria: St. Jude Assertion Criteria 2020. Collection method: clinical testing. Allele origin: germline.
Comment: The MUTYH NM_001128425.1:c.346C>T change. The MUYTH c.346C>T p.(Arg116Trp) missense variant has a maximum subpopulation frequency of 0.0098% in gnomAD v2.1.1. The in silico tool REVEL predicts a benign effect on protein function and the variant is not predicted to impact splicing. To our knowledge, this variant has not been reported in the literature in individuals with MUTYH-related conditions. In summary, the evidence currently available is insufficient to determine the clinical significance of this variant. It has therefore been classified as of uncertain significance.

Labcorp Genetics (formerly Invitae), Labcorp
Classification: Uncertain significance for Familial adenomatous polyposis 2. Last evaluated: 2026-01-28. Review status: criteria provided, single submitter. Criteria: Invitae Variant Classification Sherloc (09022015). Collection method: clinical testing. Allele origin: germline.
Comment: This sequence change replaces arginine, which is basic and polar, with tryptophan, which is neutral and slightly polar, at codon 116 of the MUTYH protein (p.Arg116Trp). This variant is present in population databases (rs373766973, gnomAD 0.01%). This missense change has been observed in individual(s) with colorectal adenocarcinoma (PMID: 34250417). ClinVar contains an entry for this variant (Variation ID: 142812). An algorithm developed to predict the effect of missense changes on protein structure and function outputs the following: PolyPhen-2: "Benign". The tryptophan amino acid residue is found in multiple mammalian species, which suggests that this missense change does not adversely affect protein function. Studies have shown that this missense change is associated with inconclusive levels of altered splicing (internal data). In summary, the available evidence is currently insufficient to determine the role of this variant in disease. Therefore, it has been classified as a Variant of Uncertain Significance.

Color Diagnostics, LLC DBA Color Health
Classification: Uncertain significance for Hereditary cancer-predisposing syndrome. Last evaluated: 2025-06-05. Review status: criteria provided, single submitter. Criteria: ACMG Guidelines, 2015. Collection method: clinical testing. Allele origin: germline.
Comment: This missense variant replaces arginine with tryptophan at codon 116 of the MUTYH protein. Computational prediction suggests that this variant may not impact protein structure and function. To our knowledge, functional studies have not been reported for this variant. This variant has been reported in two individuals affected with colorectal cancer and one of whom has a pathogenic CHEK2 c.444+1G>V variant (PMID: 34250417). This variant has been identified in 17/282866 chromosomes in the general population by the Genome Aggregation Database (gnomAD). The available evidence is insufficient to determine the role of this variant in disease conclusively. Therefore, this variant is classified as a Variant of Uncertain Significance.

Women's Health and Genetics/Laboratory Corporation of America, LabCorp
Classification: Uncertain significance. Last evaluated: 2025-04-10. Review status: criteria provided, single submitter. Criteria: LabCorp Variant Classification Summary - May 2015. Collection method: clinical testing. Allele origin: germline.
Comment: Variant summary: MUTYH c.346C>T (p.Arg116Trp) results in a non-conservative amino acid change in the encoded protein sequence. Four of five in-silico tools predict a benign effect of the variant on protein function. Several computational tools predict a significant impact on normal splicing: Three predict the variant weakens a 5' donor site. One predict the variant has no significant impact on splicing. However, these predictions have yet to be confirmed by functional studies. The variant allele was found at a frequency of 6e-05 in 251474 control chromosomes. This frequency is not significantly higher than estimated for a pathogenic variant in MUTYH causing MUTYH-Associated Polyposis (6e-05 vs 0.0046), allowing no conclusion about variant significance. c.346C>T has been reported in the literature in at least two individuals affected with colorectal cancer, without strong evidence for causality (e.g. Pearlman_2021). This report does not provide unequivocal conclusions about association of the variant with MUTYH-Associated Polyposis. To our knowledge, no experimental evidence demonstrating an impact on protein function has been reported. The following publication has been ascertained in the context of this evaluation (PMID: 34250417). ClinVar contains an entry for this variant (Variation ID: 142812). Based on the evidence outlined above, the variant was classified as uncertain significance.

GeneDx
Classification: Uncertain significance. Last evaluated: 2025-03-25. Review status: criteria provided, single submitter. Criteria: GeneDx Variant Classification Process June 2021. Collection method: clinical testing. Allele origin: germline. Affected: yes.
Comment: Not observed at significant frequency in large population cohorts (gnomAD); In silico analysis indicates that this missense variant does not alter protein structure/function; Also known as c.337C>T; p.Arg113Trp; This variant is associated with the following publications: (PMID: 25326804, 27499925, 33471991, 36243179)

Baylor Genetics
Classification: Uncertain significance for Familial adenomatous polyposis 2. Last evaluated: 2024-02-09. Review status: criteria provided, single submitter. Criteria: ACMG Guidelines, 2015. Collection method: clinical testing. Allele origin: unknown.

Ambry Genetics
Classification: Likely benign for Hereditary cancer-predisposing syndrome. Last evaluated: 2024-01-24. Review status: criteria provided, single submitter. Criteria: Ambry Variant Classification Scheme 2023. Collection method: clinical testing. Allele origin: germline.

Quest Diagnostics Nichols Institute San Juan Capistrano
Classification: Uncertain significance. Last evaluated: 2023-12-29. Review status: criteria provided, single submitter. Criteria: Quest Diagnostics criteria. Collection method: clinical testing. Allele origin: unknown.
Comment: The MUTYH c.346C>T (p.Arg116Trp) variant has been reported in the published literature in individuals with breast cancer and reportedly healthy individuals (PMID: 33471991 (2021), see also LOVD). The frequency of this variant in the general population, 0.000098 (3/30616 chromosomes (Genome Aggregation Database)), is uninformative in the assessment of its pathogenicity. Analysis of this variant using bioinformatics tools for the prediction of the effect of amino acid changes on protein structure and function yielded predictions that this variant is benign. Additional analysis using software algorithms for the prediction of the effect of nucleotide changes on splicing yielded predictions that this variant may affect proper MUTYH mRNA splicing. Based on the available information, we are unable to determine the clinical significance of this variant.

All of Us Research Program, National Institutes of Health
Classification: Uncertain significance for Familial adenomatous polyposis 2. Last evaluated: 2023-12-13. Review status: criteria provided, single submitter. Criteria: ACMG Guidelines, 2015. Collection method: clinical testing. Allele origin: germline. Inheritance: Autosomal recessive inheritance. Observed: 15 variant alleles, 15 heterozygotes.
Comment: This missense variant replaces arginine with tryptophan at codon 116 of the MUTYH protein. Computational prediction suggests that this variant may not impact protein structure and function (internally defined REVEL score threshold <= 0.5, PMID: 27666373). To our knowledge, functional studies have not been reported for this variant. This variant has not been reported in individuals affected with MUTYH-related disorders in the literature. This variant has been identified in 17/282866 chromosomes in the general population by the Genome Aggregation Database (gnomAD). The available evidence is insufficient to determine the role of this variant in disease conclusively. Therefore, this variant is classified as a Variant of Uncertain Significance.

This study involves interpretation of variants in research participants for the purpose of population health screening. Participant phenotype was not available at the time of variant classification. Additional details can be found in publication PMID: 35346344, PMCID: PMC8962531

Department of Pathology and Laboratory Medicine, Sinai Health System
Classification: Uncertain significance for Familial adenomatous polyposis 2. Last evaluated: 2019-04-01. Review status: criteria provided, single submitter. Criteria: ACMG Guidelines, 2015. Collection method: research. Allele origin: germline.

Department of Pathology and Laboratory Medicine, Sinai Health System
Classification: Uncertain significance for Carcinoma of colon. Review status: no assertion criteria provided. Collection method: clinical testing. Allele origin: unknown. Affected: yes. Study: The Canadian Open Genetics Repository (COGR). Not counted in ClinVar's aggregate classification.
Comment: The MYH p.Arg116Trp variant is a missense change in exon 3, and is conserved across mammals/species and computational analyses (PolyPhen, SIFT) suggest that this variant may impact the protein. The variant occurs in the last three bases of the exon. This position has been shown to be part of the splicing consensus sequence and variants involving this position sometimes affect splicing. A modest alteration in the splice predition was observed by one of the five prediction programs used. However, the above evidence is not predictive enough to assume pathogenicity or rule out pathogenicity. In summary, the clinical significance of this variant cannot be determined with certainty at this time.

Dr. Peter K. Rogan Lab, Western University
No classification provided (evidence only). Condition: Squamous cell carcinoma of the head and neck. Review status: no classification provided. Collection method: in vitro. Allele origin: not applicable. Functional consequence: retained intron. Not counted in ClinVar's aggregate classification.

Literature cited by the submitters: PubMed 34250417 (cited by 3 submitters); PubMed 33471991 (cited by Quest Diagnostics Nichols Institute San Juan Capistrano).